The following is an entry in ClinVar:

ClinVar aggregate classification (germline): Uncertain significance. Review status: criteria provided, multiple submitters, no conflicts (2 of 4 stars). 2 submissions from 2 submitters: Uncertain significance (2). Last evaluated 2025-09-05.

Conditions:
Inborn genetic diseases. Identifiers: MedGen C0950123, MeSH D030342.
Multiple congenital anomalies-hypotonia-seizures syndrome 1 (MCAHS1). Also called: GLYCOSYLPHOSPHATIDYLINOSITOL BIOSYNTHESIS DEFECT 3; PIGN-CDG; Congenital disorder of glycosylation due to PIGN deficiency. Identifiers: Orphanet 280633, MedGen C3279775, MONDO:0013563, OMIM 614080.

gnomAD v4.1: 1 of 1,558,470 alleles (0.000064%); no homozygotes.

Submissions (2):

Ambry Genetics
Classification: Uncertain significance for Inborn genetic diseases. Last evaluated: 2025-09-05. Review status: criteria provided, single submitter. Criteria: Ambry Variant Classification Scheme 2023. Collection method: clinical testing. Allele origin: germline.

Labcorp Genetics (formerly Invitae), Labcorp
Classification: Uncertain significance for Multiple congenital anomalies-hypotonia-seizures syndrome 1. Last evaluated: 2022-06-17. Review status: criteria provided, single submitter. Criteria: Invitae Variant Classification Sherloc (09022015). Collection method: clinical testing. Allele origin: germline.
Comment: This sequence change replaces methionine, which is neutral and non-polar, with valine, which is neutral and non-polar, at codon 826 of the PIGN protein (p.Met826Val). This variant is not present in population databases (gnomAD no frequency). This variant has not been reported in the literature in individuals affected with PIGN-related conditions. Algorithms developed to predict the effect of missense changes on protein structure and function output the following: SIFT: "Not Available"; PolyPhen-2: "Benign"; Align-GVGD: "Not Available". The valine amino acid residue is found in multiple mammalian species, which suggests that this missense change does not adversely affect protein function. In summary, the available evidence is currently insufficient to determine the role of this variant in disease. Therefore, it has been classified as a Variant of Uncertain Significance.

NM_176787.5(PIGN):c.2476A>G (p.Met826Val)

Gene: PIGN (phosphatidylinositol glycan anchor biosynthesis class N; minus strand). Cytogenetic location: 18q21.33.
Variant type: single nucleotide variant.
Coding change: c.2476A>G on transcript NM_176787.5 (MANE Select); coding-DNA position 2476, A replaced by G.
Protein change: p.Met826Val; replaces methionine 826 with valine.
Molecular consequence: missense variant.
Genome position (GRCh38, 1-based): chr18:62,084,557, T>C on the plus strand (A>G on the coding strand, the complement: PIGN is on the minus strand). VCF-style: chr18-62084557-T-C. GRCh37 (hg19) VCF-style: chr18-59751790-T-C.
Other names: c.2476A>G (NM_176787.4); c.2476A>G, p.Met826Val (NM_012327.6); short protein forms M826V.
Identifiers: ClinVar variation 2095965 (VCV002095965.2), dbSNP rs1298359810, ClinGen allele CA402601266.